The following is an entry in ClinVar:

ClinVar aggregate classification (germline): Likely benign (1 of 4 stars; one submission).

Conditions:
Juvenile polyposis syndrome (JPS). Identifiers: Orphanet 2929, MedGen C0345893, MONDO:0017380, OMIM 174900.

Submission:

Myriad Genetics, Inc.
Classification: Likely benign for Juvenile polyposis syndrome. Last evaluated: 2024-07-31. Review status: criteria provided, single submitter. Criteria: Myriad Autosomal Dominant, Autosomal Recessive and X-Linked Classification Criteria (2023). Collection method: clinical testing. Allele origin: unknown.
Comment: This variant is considered likely benign. This variant is intronic and is not expected to impact mRNA splicing.

NM_004329.3(BMPR1A):c.230+8T>G

Gene: BMPR1A (bone morphogenetic protein receptor type 1A; plus strand). Cytogenetic location: 10q23.2.
Variant type: single nucleotide variant.
Coding change: c.230+8T>G on transcript NM_004329.3 (MANE Select); 8 bases into the intron after coding-DNA position 230, T replaced by G.
Molecular consequence: intron variant.
Genome position (GRCh38, 1-based): chr10:86,890,232, T>G. VCF-style: chr10-86890232-T-G. GRCh37 (hg19) VCF-style: chr10-88649989-T-G.
Other names: c.230+8T>G (NM_001406570.1, NM_001406565.1, NM_001406574.1 and 23 more transcripts); c.146+8T>G (NM_001406584.1, NM_001406588.1, NM_001406587.1 and 2 more transcripts).
Identifiers: ClinVar variation 3379157 (VCV003379157.1).